The following is an entry in ClinVar:

NM_000307.5(POU3F4):c.683C>T (p.Ser228Leu)

Gene: POU3F4 (POU class 3 homeobox 4; plus strand). Cytogenetic location: Xq21.1.
Variant type: single nucleotide variant.
Coding change: c.683C>T on transcript NM_000307.5 (MANE Select); coding-DNA position 683, C replaced by T.
Protein change: p.Ser228Leu; replaces serine 228 with leucine.
Molecular consequence: missense variant.
Genome position (GRCh38, 1-based): chrX:83,509,007, C>T. VCF-style: chrX-83509007-C-T. GRCh37 (hg19) VCF-style: chrX-82764015-C-T.
Other names: short protein forms S228L.
Identifiers: ClinVar variation 3346292 (VCV003346292.2).

ClinVar aggregate classification (germline): Likely pathogenic. Review status: criteria provided, single submitter (1 of 4 stars). 2 submissions from 2 submitters: Likely pathogenic (1). 1 of the submissions does not count toward it. Last evaluated 2024-12-09.

Conditions:
POU3F4-related disorder. Also called: POU3F4-related condition.

Submissions (2):

GeneDx
Classification: Likely pathogenic. Last evaluated: 2024-12-09. Review status: criteria provided, single submitter. Criteria: GeneDx Variant Classification Process June 2021. Collection method: clinical testing. Allele origin: germline. Affected: yes.
Comment: Not observed at significant frequency in large population cohorts (gnomAD); In silico analysis supports that this missense variant has a deleterious effect on protein structure/function; This variant is associated with the following publications: (PMID: 16365218, 36597107, 28051029, 25792666, 33919129, 21193157, 29937786)

PreventionGenetics, part of Exact Sciences
Classification: Uncertain significance for POU3F4-related condition. Last evaluated: 2024-05-09. Review status: no assertion criteria provided. Collection method: clinical testing. Allele origin: germline. Not counted in ClinVar's aggregate classification.
Comment: The POU3F4 c.683C>T variant is predicted to result in the amino acid substitution p.Ser228Leu. This variant was reported to segregate with hearing loss in three male individuals and was heterozygous in four female unaffected individuals from a single family (Vore et al. 2005. PubMed ID: 16365218). This variant has not been reported in a large population database, indicating this variant is rare. Although we suspect that this variant may be pathogenic, at this time, the clinical significance of this variant is uncertain due to the absence of conclusive functional and genetic evidence.